The following is an entry in ClinVar:

NC_000019.9:g.(?_7586623)_(7593055_?)del

Gene: MCOLN1 (mucolipin TRP cation channel 1; plus strand). Cytogenetic location: 19p13.2.
Variant type: Deletion.
Identifiers: ClinVar variation 3248427 (VCV003248427.1).

ClinVar aggregate classification (germline): Pathogenic (1 of 4 stars; one submission).

Conditions:
Mucolipidosis type IV (ML4). Also called: ML IV. Identifiers: Orphanet 578, MedGen C0238286, MONDO:0009653, OMIM 252650.

Submission:

Labcorp Genetics (formerly Invitae), Labcorp
Classification: Pathogenic for Mucolipidosis type IV. Last evaluated: 2022-04-09. Review status: criteria provided, single submitter. Criteria: Invitae Variant Classification Sherloc (09022015). Collection method: clinical testing. Allele origin: unknown.
Comment: This variant results in the deletion of exons 1-6 and part of exon 7 (c.-1012_791del) of the MCOLN1 gene. It is expected to result in an absent or disrupted protein product. Loss-of-function variants in MCOLN1 are known to be pathogenic (PMID: 11030752, 11317355). For these reasons, this variant has been classified as Pathogenic. This variant is also known as del6433bp and g.511_6943del. A similar copy number variant has been observed in individuals with mucolipidosis type IV (PMID: 11030752, 21228398).

Literature cited by the submitters: PubMed 11030752; PubMed 11317355; PubMed 21228398.